The following is an entry in ClinVar:

NM_002439.5(MSH3):c.960C>A (p.Asp320Glu)

Genes: MSH3 (mutS homolog 3; plus strand), LOC126807437 (MED14-independent group 3 enhancer GRCh37_chr5:79968379-79969578; plus strand). Cytogenetic location: 5q14.1.
Variant type: single nucleotide variant.
Coding change: c.960C>A on transcript NM_002439.5 (MANE Select); coding-DNA position 960, C replaced by A.
Protein change: p.Asp320Glu; replaces aspartic acid 320 with glutamic acid.
Molecular consequence: missense variant.
Genome position (GRCh38, 1-based): chr5:80,672,791, C>A. VCF-style: chr5-80672791-C-A. GRCh37 (hg19) VCF-style: chr5-79968610-C-A.
Other names: short protein forms D320E.
Identifiers: ClinVar variation 3692158 (VCV003692158.2).

ClinVar aggregate classification (germline): Uncertain significance (1 of 4 stars; one submission).

Submission:

Labcorp Genetics (formerly Invitae), Labcorp
Classification: Uncertain significance. Last evaluated: 2024-06-12. Review status: criteria provided, single submitter. Criteria: Invitae Variant Classification Sherloc (09022015). Collection method: clinical testing. Allele origin: germline.
Comment: This sequence change replaces aspartic acid, which is acidic and polar, with glutamic acid, which is acidic and polar, at codon 320 of the MSH3 protein (p.Asp320Glu). This variant is not present in population databases (gnomAD no frequency). This variant has not been reported in the literature in individuals affected with MSH3-related conditions. Algorithms developed to predict the effect of missense changes on protein structure and function output the following: SIFT: "Not Available"; PolyPhen-2: "Benign"; Align-GVGD: "Not Available". The glutamic acid amino acid residue is found in multiple mammalian species, which suggests that this missense change does not adversely affect protein function. In summary, the available evidence is currently insufficient to determine the role of this variant in disease. Therefore, it has been classified as a Variant of Uncertain Significance.